The following is an entry in ClinVar:

NM_014915.3(ANKRD26):c.458C>G (p.Ala153Gly)

Gene: ANKRD26 (ankyrin repeat domain 26; minus strand). Cytogenetic location: 10p12.1.
Variant type: single nucleotide variant.
Coding change: c.458C>G on transcript NM_014915.3 (MANE Select); coding-DNA position 458, C replaced by G.
Protein change: p.Ala153Gly; replaces alanine 153 with glycine.
Molecular consequence: missense variant.
Genome position (GRCh38, 1-based): chr10:27,093,422, G>C on the plus strand (C>G on the coding strand, the complement: ANKRD26 is on the minus strand). VCF-style: chr10-27093422-G-C. GRCh37 (hg19) VCF-style: chr10-27382351-G-C.
Other names: c.458C>G, p.Ala153Gly (NM_001256053.2); short protein forms A153G.
Identifiers: ClinVar variation 4859092 (VCV004859092.1).
Genomic context (GRCh38, chr10:27,093,422, plus strand): 5'-TCAATATTTGCATCATACAAAAGCAGCTTTGTTGCTACTGATATGTCCTCATTATAGACA[G>C]CATAGTGAAGAGCAGTGTTGCCATGGACATCCGCAAGATTTGGATCAGCACCATGTTCTA-3'
Protein context (NP_055730.2, residues 143-163): DVHGNTALHY[Ala153Gly]VYNEDISVAT

ClinVar aggregate classification (germline): Uncertain significance (1 of 4 stars; one submission).

Conditions:
Inborn genetic diseases. Identifiers: MedGen C0950123, MeSH D030342.

Submission:

Ambry Genetics
Classification: Uncertain significance for Inborn genetic diseases. Last evaluated: 2026-03-23. Review status: criteria provided, single submitter. Criteria: Ambry Variant Classification Scheme 2023. Collection method: clinical testing. Allele origin: germline.
Comment: The p.A153G variant (also known as c.458C>G), located in coding exon 3 of the ANKRD26 gene, results from a C to G substitution at nucleotide position 458. The alanine at codon 153 is replaced by glycine, an amino acid with similar properties. This amino acid position is conserved. In addition, this alteration is predicted to be deleterious by in silico analysis. Based on the available evidence, the clinical significance of this variant remains unclear.